The following is an entry in ClinVar:

ClinVar aggregate classification (germline): Uncertain significance (1 of 4 stars; one submission).

Conditions:
Joubert syndrome 23 (JBTS23). Identifiers: Orphanet 475, MedGen C4084822, MONDO:0014664, OMIM 616490.
Short-rib thoracic dysplasia 14 with polydactyly (SRTD14). Identifiers: Orphanet 397715, MedGen C4225286, MONDO:0014688, OMIM 616546.

Allele frequency attached by ClinVar (database versions not stated): gnomAD exomes 0.00001.
gnomAD v4.1: 5 of 1,507,442 alleles (0.00033%); highest among the groups gnomAD compares: Non-Finnish European, 0.00044%; no homozygotes.

Submission:

Labcorp Genetics (formerly Invitae), Labcorp
Classification: Uncertain significance for Joubert syndrome 23; Short-rib thoracic dysplasia 14 with polydactyly. Last evaluated: 2022-04-15. Review status: criteria provided, single submitter. Criteria: Invitae Variant Classification Sherloc (09022015). Collection method: clinical testing. Allele origin: germline.
Comment: This sequence change replaces lysine, which is basic and polar, with glutamic acid, which is acidic and polar, at codon 677 of the KIAA0586 protein (p.Lys677Glu). This variant is not present in population databases (gnomAD no frequency). This variant has not been reported in the literature in individuals affected with KIAA0586-related conditions. Algorithms developed to predict the effect of missense changes on protein structure and function are either unavailable or do not agree on the potential impact of this missense change (SIFT: "Deleterious"; PolyPhen-2: "Benign"; Align-GVGD: "Class C0"). In summary, the available evidence is currently insufficient to determine the role of this variant in disease. Therefore, it has been classified as a Variant of Uncertain Significance.

NM_001329943.3(KIAA0586):c.1870A>G (p.Lys624Glu)

Gene: KIAA0586 (KIAA0586; plus strand). Cytogenetic location: 14q23.1.
Variant type: single nucleotide variant.
Coding change: c.1870A>G on transcript NM_001329943.3 (MANE Select); coding-DNA position 1870, A replaced by G.
Protein change: p.Lys624Glu; replaces lysine 624 with glutamic acid.
Molecular consequence: missense variant. On other transcripts: intron variant (1).
Genome position (GRCh38, 1-based): chr14:58,460,056, A>G. VCF-style: chr14-58460056-A-G. GRCh37 (hg19) VCF-style: chr14-58926774-A-G.
Other names: c.2029A>G, p.Lys677Glu (NM_001244189.2); c.1825A>G, p.Lys609Glu (NM_001244190.2); c.1615A>G, p.Lys539Glu (NM_001244191.2, NM_001329945.2, NM_001364700.1 and 1 more transcripts); c.1738A>G, p.Lys580Glu (NM_001244192.2); c.1450A>G, p.Lys484Glu (NM_001244193.2); c.1870A>G, p.Lys624Glu (NM_001329944.2, NM_001329946.2, NM_001329947.2); c.1657-930A>G (NM_014749.5); short protein forms K539E, K580E, K484E, K624E, K609E, K677E.
Identifiers: ClinVar variation 1957297 (VCV001957297.2), dbSNP rs2040198783, ClinGen allele CA389871846.